The following is an entry in ClinVar:

ClinVar aggregate classification (germline): Likely benign. Review status: criteria provided, multiple submitters, no conflicts (2 of 4 stars). 2 submissions from 2 submitters: Likely benign (2). Last evaluated 2026-02-01.

gnomAD v4.1: 98 of 778,374 alleles (0.013%); highest among the groups gnomAD compares: Non-Finnish European, 0.022%; 1 homozygote.

Submissions (2):

CeGaT Center for Human Genetics Tuebingen
Classification: Likely benign. Last evaluated: 2026-02-01. Review status: criteria provided, single submitter. Criteria: CeGaT Center For Human Genetics Tuebingen Variant Classification Criteria Version 2. Collection method: clinical testing. Allele origin: germline. Affected: yes. Observed: 2 variant alleles.
Comment: C1R: BP4

Women's Health and Genetics/Laboratory Corporation of America, LabCorp
Classification: Likely benign. Last evaluated: 2025-07-18. Review status: criteria provided, single submitter. Criteria: LabCorp Variant Classification Summary - May 2015. Collection method: clinical testing. Allele origin: germline.
Comment: Variant summary: C1R c.175G>A (p.Val59Ile) results in a conservative amino acid change in the encoded protein sequence. Algorithms developed to predict the effect of missense changes on protein structure and function all suggest that this variant is likely to be tolerated. The variant allele was found at a frequency of 0.00012 in 244760 control chromosomes. The observed variant frequency is approximately 118.48 fold of the estimated maximal expected allele frequency for a pathogenic variant in C1R causing Ehlers-Danlos syndrome, periodontal type 1 phenotype (1e-06). To our knowledge, no occurrence of c.175G>A in individuals affected with Ehlers-Danlos syndrome, periodontal type 1 and no experimental evidence demonstrating its impact on protein function have been reported. ClinVar contains an entry for this variant (Variation ID: 3257680). Based on the evidence outlined above, the variant was classified as likely benign.

NM_001733.7(C1R):c.175G>A (p.Val59Ile)

Gene: C1R (complement C1r; minus strand). Cytogenetic location: 12p13.31.
Variant type: single nucleotide variant.
Coding change: c.175G>A on transcript NM_001733.7 (MANE Select); coding-DNA position 175, G replaced by A.
Protein change: p.Val59Ile; replaces valine 59 with isoleucine.
Molecular consequence: missense variant.
Genome position (GRCh38, 1-based): chr12:7,091,508, C>T on the plus strand (G>A on the coding strand, the complement: C1R is on the minus strand). VCF-style: chr12-7091508-C-T. GRCh37 (hg19) VCF-style: chr12-7244104-C-T.
Other names: c.217G>A, p.Val73Ile (NM_001354346.2); short protein forms V59I, V73I.
Identifiers: ClinVar variation 3257680 (VCV003257680.18).